The following is an entry in ClinVar:

ClinVar aggregate classification (germline): Uncertain significance. Review status: criteria provided, multiple submitters, no conflicts (2 of 4 stars). 2 submissions from 2 submitters: Uncertain significance (2). Last evaluated 2024-10-31.

Conditions:
JUP-related disorder. Also called: JUP-related condition.
Arrhythmogenic right ventricular dysplasia 12. Also called: ARRHYTHMOGENIC RIGHT VENTRICULAR DYSPLASIA, FAMILIAL, 12. Identifiers: MedGen C1969081, MONDO:0012684, OMIM 611528.
Naxos disease (NXD). Also called: PALMOPLANTAR KERATODERMA WITH ARRHYTHMOGENIC RIGHT VENTRICULAR CARDIOMYOPATHY AND WOOLLY HAIR; KERATOSIS PALMOPLANTARIS WITH ARRHYTHMOGENIC CARDIOMYOPATHY; MAL DE NAXOS; WOOLLY HAIR, PALMOPLANTAR KERATODERMA, AND CARDIAC ABNORMALITIES; CARDIOMYOPATHY, ARRHYTHMOGENIC RIGHT VENTRICULAR, WITH SKIN, HAIR, AND NAIL ABNORMALITIES. Identifiers: Orphanet 34217, MedGen C1832600, MONDO:0011017, OMIM 601214.

Allele frequency attached by ClinVar (database versions not stated): ExAC 0.00001; gnomAD exomes 0.00001; TOPMed 0.00002.

Submissions (2):

Labcorp Genetics (formerly Invitae), Labcorp
Classification: Uncertain significance for Arrhythmogenic right ventricular dysplasia 12; Naxos disease. Last evaluated: 2024-10-31. Review status: criteria provided, single submitter. Criteria: Invitae Variant Classification Sherloc (09022015). Collection method: clinical testing. Allele origin: germline.
Comment: This sequence change replaces arginine, which is basic and polar, with tryptophan, which is neutral and slightly polar, at codon 84 of the JUP protein (p.Arg84Trp). The frequency data for this variant in the population databases is considered unreliable, as metrics indicate poor data quality at this position in the gnomAD database. This variant has not been reported in the literature in individuals affected with JUP-related conditions. ClinVar contains an entry for this variant (Variation ID: 1037093). An algorithm developed to predict the effect of missense changes on protein structure and function (PolyPhen-2) suggests that this variant is likely to be disruptive. In summary, the available evidence is currently insufficient to determine the role of this variant in disease. Therefore, it has been classified as a Variant of Uncertain Significance.

PreventionGenetics, part of Exact Sciences
Classification: Uncertain significance for JUP-related condition. Last evaluated: 2022-10-18. Review status: criteria provided, single submitter. Criteria: ACMG Guidelines, 2015. Collection method: clinical testing. Allele origin: germline.
Comment: The JUP c.250C>T variant is predicted to result in the amino acid substitution p.Arg84Trp. To our knowledge, this variant has not been reported in the literature. This variant is reported in 0.0042% of alleles in individuals of African descent in gnomAD. A different nucleotide substitution affecting the same amino acid (p.Arg84Gln) has been reported in an individual with arrhythmogenic right ventricular cardiomyopathy (Table S1A, Walsh et al. 2017. PubMed ID: 27532257). At this time, the clinical significance of the c.250C>T (p.Arg84Trp) variant is uncertain due to the absence of conclusive functional and genetic evidence.

NM_002230.4(JUP):c.250C>T (p.Arg84Trp)

Gene: JUP (junction plakoglobin; minus strand). Cytogenetic location: 17q21.2.
Variant type: single nucleotide variant.
Coding change: c.250C>T on transcript NM_002230.4 (MANE Select); coding-DNA position 250, C replaced by T.
Protein change: p.Arg84Trp; replaces arginine 84 with tryptophan.
Molecular consequence: missense variant.
Genome position (GRCh38, 1-based): chr17:41,769,636, G>A on the plus strand (C>T on the coding strand, the complement: JUP is on the minus strand). VCF-style: chr17-41769636-G-A. GRCh37 (hg19) VCF-style: chr17-39925888-G-A.
Other names: c.250C>T (NM_021991.2); c.250C>T, p.Arg84Trp (NM_001352773.2, NM_001352774.2, NM_001352775.2 and 3 more transcripts); short protein forms R84W.
Identifiers: ClinVar variation 1037093 (VCV001037093.8), dbSNP rs782306414, ClinGen allele CA8565540.